The following is an entry in ClinVar:

NM_018248.3(NEIL3):c.1143A>G (p.Arg381=)

Genes: NEIL3 (nei like DNA glycosylase 3; plus strand), NEIL3-AS1 (NEIL3 antisense RNA 1; minus strand). Cytogenetic location: 4q34.3.
Variant type: single nucleotide variant.
Coding change: c.1143A>G on transcript NM_018248.3 (MANE Select); coding-DNA position 1143, A replaced by G.
Protein change: p.Arg381=; no amino-acid change (arginine 381 retained).
Molecular consequence: synonymous variant.
Genome position (GRCh38, 1-based): chr4:177,353,411, A>G. VCF-style: chr4-177353411-A-G. GRCh37 (hg19) VCF-style: chr4-178274565-A-G.
Identifiers: ClinVar variation 2688525 (VCV002688525.2), dbSNP rs2048074, ClinGen allele CA3146491.
Genomic context (GRCh38, chr4:177,353,411, plus strand): 5'-CTTAATGAAGTACCCGTGTAATACTTTTGGAAAACCTCATACAGAAGTCAAGATCAACAG[A>G]AAAACTGCATTTGGAACTACAACTCTTGTCTTGACTGATTTTAGCAATAAATCCAGTACT-3'
Protein context (NP_060718.3, residues 371-391): GKPHTEVKIN[Arg381=]KTAFGTTTLV

ClinVar aggregate classification (germline): Benign (1 of 4 stars; one submission).

Allele frequency attached by ClinVar (database versions not stated): 1000 Genomes Project 0.60903; 1000 Genomes Project 30x 0.61227; ExAC 0.69067; TOPMed 0.71094; gnomAD 0.71722; gnomAD exomes 0.73603; ESP Exome Variant Server 0.74120.
gnomAD v4.1: 1,183,033 of 1,612,928 alleles (73%); highest among the groups gnomAD compares: Non-Finnish European, 76%; 438,695 homozygotes.

Submission:

Unidad de Genómica Garrahan, Hospital de Pediatría Garrahan
Classification: Benign. Last evaluated: 2024-01-24. Review status: criteria provided, single submitter. Criteria: ACMG Guidelines, 2015. Collection method: clinical testing. Allele origin: germline. Affected: no. Observed: 79 variant alleles.
Comment: This variant is classified as Benign based on local population frequency. This variant was detected in 90% of patients studied by a panel of primary immunodeficiencies. Number of patients: 79. Only high quality variants are reported.